The following is an entry in ClinVar:

ClinVar aggregate classification (germline): Benign/Likely benign. Review status: criteria provided, multiple submitters, no conflicts (2 of 4 stars). 3 submissions from 3 submitters: Benign (1); Likely benign (2). Last evaluated 2024-04-12.

Conditions:
Hereditary cancer-predisposing syndrome. Also called: Tumor predisposition; Hereditary Cancer Syndrome; Hereditary neoplastic syndrome; Neoplastic Syndromes, Hereditary. Identifiers: Orphanet 140162, MedGen C0027672, MeSH D009386, MONDO:0015356.
Familial adenomatous polyposis 1 (FAP1). Also called: FAMILIAL ADENOMATOUS POLYPOSIS 1, ATTENUATED; POLYPOSIS, ADENOMATOUS INTESTINAL. Identifiers: MedGen C2713442, MONDO:0021056, OMIM 175100. Disease mechanism: loss of function.

gnomAD v4.1: 4 of 1,614,048 alleles (0.00025%); highest among the groups gnomAD compares: Non-Finnish European, 0.00034%; no homozygotes.

Submissions (3):

Myriad Genetics, Inc.
Classification: Benign for Familial adenomatous polyposis 1. Last evaluated: 2024-04-12. Review status: criteria provided, single submitter. Criteria: Myriad Autosomal Dominant, Autosomal Recessive and X-Linked Classification Criteria (2023). Collection method: clinical testing. Allele origin: unknown.
Comment: This variant is considered benign. This variant is a silent/synonymous amino acid change and it is not expected to impact splicing.

Labcorp Genetics (formerly Invitae), Labcorp
Classification: Likely benign for Familial adenomatous polyposis 1. Last evaluated: 2024-02-17. Review status: criteria provided, single submitter. Criteria: Invitae Variant Classification Sherloc (09022015). Collection method: clinical testing. Allele origin: germline.

Ambry Genetics
Classification: Likely benign for Hereditary cancer-predisposing syndrome. Last evaluated: 2017-01-19. Review status: criteria provided, single submitter. Criteria: Ambry Variant Classification Scheme 2023. Collection method: clinical testing. Allele origin: germline.

NM_000038.6(APC):c.8148G>A (p.Val2716=)

Gene: APC (APC regulator of Wnt signaling pathway; plus strand). Cytogenetic location: 5q22.2.
Variant type: single nucleotide variant.
Coding change: c.8148G>A on transcript NM_000038.6 (MANE Select); coding-DNA position 8148, G replaced by A.
Protein change: p.Val2716=; no amino-acid change (valine 2716 retained).
Molecular consequence: synonymous variant.
Genome position (GRCh38, 1-based): chr5:112,843,742, G>A. VCF-style: chr5-112843742-G-A. GRCh37 (hg19) VCF-style: chr5-112179439-G-A.
Other names: c.8148G>A, p.Val2716= (NM_001127510.3, NM_001354895.2); c.8094G>A, p.Val2698= (NM_001127511.3); c.8202G>A, p.Val2734= (NM_001354896.2); c.8178G>A, p.Val2726= (NM_001354897.2); c.8073G>A, p.Val2691= (NM_001354898.2); c.8064G>A, p.Val2688= (NM_001354899.2); c.8025G>A, p.Val2675= (NM_001354900.2); c.7971G>A, p.Val2657= (NM_001354901.2); and 5 more.
Identifiers: ClinVar variation 486775 (VCV000486775.54), dbSNP rs1158207177, ClinGen allele CA446211222.
Genomic context (GRCh38, chr5:112,843,742, plus strand): 5'-TTCAAAAGATAATCAGGCAAAACAAAATGTGGGTAATGGCAGTGTTCCCATGCGTACCGT[G>A]GGTTTGGAAAATCGCCTGAACTCCTTTATTCAGGTGGATGCCCCTGACCAAAAAGGAACT-3'
Protein context (NP_000029.2, residues 2706-2726): VGNGSVPMRT[Val2716=]GLENRLNSFI